The following is an entry in ClinVar:

ClinVar aggregate classification (germline): Benign/Likely benign. Review status: criteria provided, multiple submitters, no conflicts (2 of 4 stars). 8 submissions from 8 submitters: Benign (1); Likely benign (6). 1 of the submissions does not count toward it. Last evaluated 2026-02-02.

Conditions:
Joubert syndrome. Also called: JOUBERT-BOLTSHAUSER SYNDROME; Familial aplasia of the vermis. Identifiers: Orphanet 475, MedGen C5979921, MONDO:0018772.
Meckel-Gruber syndrome. Also called: DYSENCEPHALIA SPLANCHNOCYSTICA; GRUBER SYNDROME; Dysencephalia splachnocystica. Identifiers: Orphanet 564, MedGen C0265215, MONDO:0018921.

Allele frequency attached by ClinVar (database versions not stated): gnomAD exomes 0.00038 and 0.00096; ExAC 0.00121; ESP Exome Variant Server 0.00346; gnomAD 0.00358 and 0.00377; TOPMed 0.00369; 1000 Genomes Project 30x 0.00437; 1000 Genomes Project 0.00439.
gnomAD v4.1: 1,156 of 1,600,364 alleles (0.072%); highest among the groups gnomAD compares: African/African-American, 1.2%; 6 homozygotes.

Submissions (9):

Labcorp Genetics (formerly Invitae), Labcorp
Classification: Likely benign for Joubert syndrome; Meckel-Gruber syndrome. Last evaluated: 2026-02-02. Review status: criteria provided, single submitter. Criteria: Invitae Variant Classification Sherloc (09022015). Collection method: clinical testing. Allele origin: germline.

CeGaT Center for Human Genetics Tuebingen
Classification: Likely benign. Last evaluated: 2025-11-01. Review status: criteria provided, single submitter. Criteria: CeGaT Center For Human Genetics Tuebingen Variant Classification Criteria Version 2. Collection method: clinical testing. Allele origin: germline. Affected: yes. Observed: 1 variant allele.
Comment: TCTN2: BP4, BS1

Genomic Medicine Center of Excellence, King Faisal Specialist Hospital and Research Centre
Classification: Likely benign. Last evaluated: 2025-08-18. Review status: criteria provided, single submitter. Criteria: ACMG Guidelines, 2015. Collection method: clinical testing. Allele origin: germline.

Mayo Clinic Laboratories, Mayo Clinic
Classification: Likely benign. Last evaluated: 2025-03-03. Review status: criteria provided, single submitter. Criteria: ACMG Guidelines, 2015. Collection method: clinical testing. Allele origin: germline. Observed: 1 variant allele.
Comment: BS1, BP4, BP7

Blueprint Genetics
Classification: Likely benign. Last evaluated: 2024-11-22. Review status: criteria provided, single submitter. Criteria: ACMG Guidelines, 2015. Collection method: clinical testing. Allele origin: germline.

GeneDx
Classification: Benign. Last evaluated: 2018-04-18. Review status: criteria provided, single submitter. Criteria: GeneDx Variant Classification Process June 2021. Collection method: clinical testing. Allele origin: germline. Affected: yes.

Breakthrough Genomics
Classification: Likely benign. Review status: criteria provided, single submitter. Criteria: ACMG Guidelines, 2015. Collection method: not provided. Allele origin: germline. Inheritance: Autosomal recessive inheritance. Affected: yes.

Genetic Services Laboratory, University of Chicago
Classification: Benign. Last evaluated: 2022-08-15. Review status: no assertion criteria provided. Collection method: clinical testing. Allele origin: germline. Affected: no. Not counted in ClinVar's aggregate classification.

Dr. Peter K. Rogan Lab, Western University
No classification provided (evidence only). Condition: Sarcoma. Review status: no classification provided. Collection method: in vitro. Allele origin: not applicable. Functional consequence: retained intron. Not counted in ClinVar's aggregate classification.

NM_024809.5(TCTN2):c.1505+3G>C

Gene: TCTN2 (tectonic family member 2; plus strand). Cytogenetic location: 12q24.31.
Variant type: single nucleotide variant.
Coding change: c.1505+3G>C on transcript NM_024809.5 (MANE Select); 3 bases into the intron after coding-DNA position 1505, G replaced by C.
Molecular consequence: intron variant.
Genome position (GRCh38, 1-based): chr12:123,697,201, G>C. VCF-style: chr12-123697201-G-C. GRCh37 (hg19) VCF-style: chr12-124181748-G-C.
Other names: p.?; c.1502+3G>C (NM_001143850.3).
Identifiers: ClinVar variation 215939 (VCV000215939.28), dbSNP rs111574617, ClinGen allele CA337603.